The following is an entry in ClinVar:

NM_021922.3(FANCE):c.4_13del (p.Ala2fs)

Genes: FANCE (FA complementation group E; plus strand), LOC129996245 (ATAC-STARR-seq lymphoblastoid silent region 17092; plus strand). Cytogenetic location: 6p21.31.
Variant type: Deletion.
Coding change: c.4_13del on transcript NM_021922.3 (MANE Select); coding-DNA positions 4 to 13, 10 bases deleted (GCGACACCGG; older notation c.4_13delGCGACACCGG).
Protein change: p.Ala2fs; shifts the reading frame from alanine 2.
Molecular consequence: frameshift variant, initiator codon variant.
Genome position (GRCh38, 1-based): chr6:35,452,549-35,452,558, GCGACACCGG deleted; deleting any 10 consecutive bases within chr6:35,452,548-35,452,558 gives the same sequence; the c. name uses the placement nearest the transcript's 3' end. VCF-style (leftmost placement, unchanged base first): chr6-35452547-TGGCGACACCG-T. GRCh37 (hg19) VCF-style: chr6-35420324-TGGCGACACCG-T.
Other names: c.4_13del, p.Ala2fs (NM_001410876.1); short protein forms A2fs.
Identifiers: ClinVar variation 2798486 (VCV002798486.3), dbSNP rs2533645433, ClinGen allele CA2739272983.

ClinVar aggregate classification (germline): Pathogenic (1 of 4 stars; one submission).

Conditions:
Fanconi anemia complementation group E (FANCE). Also called: FANCE-Related Fanconi Anemia. Identifiers: Orphanet 84, MedGen C3160739, MONDO:0010953, OMIM 600901.

Submission:

Labcorp Genetics (formerly Invitae), Labcorp
Classification: Pathogenic for Fanconi anemia complementation group E. Last evaluated: 2023-12-15. Review status: criteria provided, single submitter. Criteria: Invitae Variant Classification Sherloc (09022015). Collection method: clinical testing. Allele origin: germline.
Comment: This sequence change creates a premature translational stop signal (p.Ala2Thrfs*79) in the FANCE gene. It is expected to result in an absent or disrupted protein product. Loss-of-function variants in FANCE are known to be pathogenic (PMID: 11001585, 17924555). This variant is not present in population databases (gnomAD no frequency). This variant has not been reported in the literature in individuals affected with FANCE-related conditions. For these reasons, this variant has been classified as Pathogenic.

Literature cited by the submitters: PubMed 11001585; PubMed 17924555.